The following is an entry in ClinVar:

NM_001032.5(RPS29):c.75A>C (p.Ser25=)

Gene: RPS29 (ribosomal protein S29; minus strand). Cytogenetic location: 14q21.3.
Variant type: single nucleotide variant.
Coding change: c.75A>C on transcript NM_001032.5 (MANE Select); coding-DNA position 75, A replaced by C.
Protein change: p.Ser25=; no amino-acid change (serine 25 retained).
Molecular consequence: synonymous variant.
Genome position (GRCh38, 1-based): chr14:49,586,037, T>G on the plus strand (A>C on the coding strand, the complement: RPS29 is on the minus strand). VCF-style: chr14-49586037-T-G. GRCh37 (hg19) VCF-style: chr14-50052755-T-G.
Other names: c.75A>C, p.Ser25= (NM_001030001.4); c.66A>C, p.Ser22= (NM_001351375.2); c.75A>C (NM_001032.4).
Identifiers: ClinVar variation 1583233 (VCV001583233.10), dbSNP rs2139513920, ClinGen allele CA486337248.

ClinVar aggregate classification (germline): Likely benign. Review status: criteria provided, single submitter (1 of 4 stars). 2 submissions from 2 submitters: Likely benign (1). 1 of the submissions does not count toward it. Last evaluated 2025-10-27.

Conditions:
RPS29-related disorder. Also called: RPS29-related condition.

Allele frequency attached by ClinVar (database versions not stated): gnomAD exomes below 0.00001.
gnomAD v4.1: 1 of 1,613,642 alleles (0.000062%); highest among the groups gnomAD compares: East Asian, 0.0022%; no homozygotes.

Submissions (2):

Labcorp Genetics (formerly Invitae), Labcorp
Classification: Likely benign. Last evaluated: 2025-10-27. Review status: criteria provided, single submitter. Criteria: Invitae Variant Classification Sherloc (09022015). Collection method: clinical testing. Allele origin: germline.

PreventionGenetics, part of Exact Sciences
Classification: Likely benign for RPS29-related condition. Last evaluated: 2023-11-07. Review status: no assertion criteria provided. Collection method: clinical testing. Allele origin: germline. Not counted in ClinVar's aggregate classification.
Comment: This variant is classified as likely benign based on ACMG/AMP sequence variant interpretation guidelines (Richards et al. 2015 PMID: 25741868, with internal and published modifications).